The following is an entry in ClinVar:

NM_198578.4(LRRK2):c.3485T>C (p.Met1162Thr)

Gene: LRRK2 (leucine rich repeat kinase 2; plus strand). Cytogenetic location: 12q12.
Variant type: single nucleotide variant.
Coding change: c.3485T>C on transcript NM_198578.4 (MANE Select); coding-DNA position 3485, T replaced by C.
Protein change: p.Met1162Thr; replaces methionine 1162 with threonine.
Molecular consequence: missense variant.
Genome position (GRCh38, 1-based): chr12:40,299,246, T>C. VCF-style: chr12-40299246-T-C. GRCh37 (hg19) VCF-style: chr12-40693048-T-C.
Other names: short protein forms M1162T.
Identifiers: ClinVar variation 2587315 (VCV002587315.2), dbSNP rs756418834, ClinGen allele CA6513907.

ClinVar aggregate classification (germline): Uncertain significance (1 of 4 stars; one submission).

Conditions:
Inborn genetic diseases. Identifiers: MedGen C0950123, MeSH D030342.

Allele frequency attached by ClinVar (database versions not stated): gnomAD exomes below 0.00001; ExAC 0.00001; TOPMed 0.00001.

Submission:

Ambry Genetics
Classification: Uncertain significance for Inborn genetic diseases. Last evaluated: 2023-09-14. Review status: criteria provided, single submitter. Criteria: Ambry Variant Classification Scheme 2023. Collection method: clinical testing. Allele origin: germline.
Comment: The p.M1162T variant (also known as c.3485T>C), located in coding exon 25 of the LRRK2 gene, results from a T to C substitution at nucleotide position 3485. The methionine at codon 1162 is replaced by threonine, an amino acid with similar properties. This amino acid position is conserved. In addition, this alteration is predicted to be tolerated by in silico analysis. Since supporting evidence is limited at this time, the clinical significance of this alteration remains unclear.